The following is an entry in ClinVar:

NM_006231.4(POLE):c.2503G>A (p.Val835Ile)

Gene: POLE (DNA polymerase epsilon, catalytic subunit; minus strand). Cytogenetic location: 12q24.33.
Variant type: single nucleotide variant.
Coding change: c.2503G>A on transcript NM_006231.4 (MANE Select); coding-DNA position 2503, G replaced by A.
Protein change: p.Val835Ile; replaces valine 835 with isoleucine.
Molecular consequence: missense variant.
Genome position (GRCh38, 1-based): chr12:132,664,428, C>T on the plus strand (G>A on the coding strand, the complement: POLE is on the minus strand). VCF-style: chr12-132664428-C-T. GRCh37 (hg19) VCF-style: chr12-133241014-C-T.
Other names: short protein forms V835I.
Identifiers: ClinVar variation 473536 (VCV000473536.15), dbSNP rs1013082648, ClinGen allele CA246318835.

ClinVar aggregate classification (germline): Uncertain significance. Review status: criteria provided, multiple submitters, no conflicts (2 of 4 stars). 2 submissions from 2 submitters: Uncertain significance (2). Last evaluated 2026-04-01.

Conditions:
Hereditary cancer-predisposing syndrome. Also called: Tumor predisposition; Hereditary neoplastic syndrome; Neoplastic Syndromes, Hereditary; Hereditary Cancer Syndrome. Identifiers: Orphanet 140162, MedGen C0027672, MeSH D009386, MONDO:0015356.

Allele frequency attached by ClinVar (database versions not stated): gnomAD exomes below 0.00001; TOPMed below 0.00001.
gnomAD v4.1: 4 of 1,614,066 alleles (0.00025%); highest among the groups gnomAD compares: Non-Finnish European, 0.00034%; no homozygotes.

Submissions (2):

Ambry Genetics
Classification: Uncertain significance for Hereditary cancer-predisposing syndrome. Last evaluated: 2026-04-01. Review status: criteria provided, single submitter. Criteria: Ambry Variant Classification Scheme 2023. Collection method: clinical testing. Allele origin: germline.

Labcorp Genetics (formerly Invitae), Labcorp
Classification: Uncertain significance. Last evaluated: 2025-04-02. Review status: criteria provided, single submitter. Criteria: Invitae Variant Classification Sherloc (09022015). Collection method: clinical testing. Allele origin: germline.
Comment: This sequence change replaces valine, which is neutral and non-polar, with isoleucine, which is neutral and non-polar, at codon 835 of the POLE protein (p.Val835Ile). This variant is not present in population databases (gnomAD no frequency). This variant has not been reported in the literature in individuals affected with POLE-related conditions. ClinVar contains an entry for this variant (Variation ID: 473536). Invitae Evidence Modeling of protein sequence and biophysical properties (such as structural, functional, and spatial information, amino acid conservation, physicochemical variation, residue mobility, and thermodynamic stability) indicates that this missense variant is expected to disrupt POLE protein function with a positive predictive value of 80%. In summary, the available evidence is currently insufficient to determine the role of this variant in disease. Therefore, it has been classified as a Variant of Uncertain Significance.